The following is an entry in ClinVar:

ClinVar aggregate classification (germline): Uncertain significance (1 of 4 stars; one submission).

Submission:

Labcorp Genetics (formerly Invitae), Labcorp
Classification: Uncertain significance. Last evaluated: 2024-11-19. Review status: criteria provided, single submitter. Criteria: Invitae Variant Classification Sherloc (09022015). Collection method: clinical testing. Allele origin: germline.
Comment: This sequence change replaces lysine, which is basic and polar, with arginine, which is basic and polar, at codon 156 of the MYSM1 protein (p.Lys156Arg). This variant is not present in population databases (gnomAD no frequency). This variant has not been reported in the literature in individuals affected with MYSM1-related conditions. Invitae Evidence Modeling of protein sequence and biophysical properties (such as structural, functional, and spatial information, amino acid conservation, physicochemical variation, residue mobility, and thermodynamic stability) indicates that this missense variant is not expected to disrupt MYSM1 protein function with a negative predictive value of 80%. In summary, the available evidence is currently insufficient to determine the role of this variant in disease. Therefore, it has been classified as a Variant of Uncertain Significance.

NM_001085487.3(MYSM1):c.467A>G (p.Lys156Arg)

Gene: MYSM1 (Myb like, SWIRM and MPN domains 1; minus strand). Cytogenetic location: 1p32.1.
Variant type: single nucleotide variant.
Coding change: c.467A>G on transcript NM_001085487.3 (MANE Select); coding-DNA position 467, A replaced by G.
Protein change: p.Lys156Arg; replaces lysine 156 with arginine.
Molecular consequence: missense variant.
Genome position (GRCh38, 1-based): chr1:58,685,184, T>C on the plus strand (A>G on the coding strand, the complement: MYSM1 is on the minus strand). VCF-style: chr1-58685184-T-C. GRCh37 (hg19) VCF-style: chr1-59150856-T-C.
Other names: short protein forms K156R.
Identifiers: ClinVar variation 3649520 (VCV003649520.2).
Genomic context (GRCh38, chr1:58,685,184, plus strand): 5'-ATTAACCAGGATACTGATATTCTGCTTACCTTATTTTTAAAATACTGTCTTGCATAACTC[T>C]TCACTTGTAAAACAGTGCGGCTTCCAATTAGCTTTGAAATTTTGGTCCATCTTCGGCCAA-3'
Protein context (NP_001078956.1, residues 146-166): LIGSRTVLQV[Lys156Arg]SYARQYFKNK